The following is an entry in ClinVar:

ClinVar aggregate classification (germline): Uncertain significance. Review status: criteria provided, multiple submitters, no conflicts (2 of 4 stars). 2 submissions from 2 submitters: Uncertain significance (2). Last evaluated 2026-03-07.

Conditions:
PDE6B-related disorder. Also called: PDE6B-related disease; PDE6B-related condition; PDE6B-related disorders.

gnomAD v4.1: 12 of 1,613,812 alleles (0.00074%); highest among the groups gnomAD compares: East Asian, 0.022%; no homozygotes.

Submissions (2):

PreventionGenetics, part of Exact Sciences
Classification: Uncertain significance for PDE6B-related condition. Last evaluated: 2026-03-07. Review status: criteria provided, single submitter. Criteria: ACMG Guidelines, 2015. Collection method: clinical testing. Allele origin: germline.
Comment: The PDE6B c.76A>C variant is predicted to result in the amino acid substitution p.Lys26Gln. To our knowledge, this variant has not been reported in the literature. This variant is reported in 0.033% of alleles in individuals of East Asian descent in gnomAD. At this time, the clinical significance of this variant is uncertain due to the absence of conclusive functional and genetic evidence.

Labcorp Genetics (formerly Invitae), Labcorp
Classification: Uncertain significance. Last evaluated: 2024-07-12. Review status: criteria provided, single submitter. Criteria: Invitae Variant Classification Sherloc (09022015). Collection method: clinical testing. Allele origin: germline.
Comment: This sequence change replaces lysine, which is basic and polar, with glutamine, which is neutral and polar, at codon 26 of the PDE6B protein (p.Lys26Gln). This variant is present in population databases (rs769473166, gnomAD 0.03%). This variant has not been reported in the literature in individuals affected with PDE6B-related conditions. An algorithm developed to predict the effect of missense changes on protein structure and function outputs the following: PolyPhen-2: "Benign". The glutamine amino acid residue is found in multiple mammalian species, which suggests that this missense change does not adversely affect protein function. In summary, the available evidence is currently insufficient to determine the role of this variant in disease. Therefore, it has been classified as a Variant of Uncertain Significance.

NM_000283.4(PDE6B):c.76A>C (p.Lys26Gln)

Gene: PDE6B (phosphodiesterase 6B; plus strand). Cytogenetic location: 4p16.3.
Variant type: single nucleotide variant.
Coding change: c.76A>C on transcript NM_000283.4 (MANE Select); coding-DNA position 76, A replaced by C.
Protein change: p.Lys26Gln; replaces lysine 26 with glutamine.
Molecular consequence: missense variant.
Genome position (GRCh38, 1-based): chr4:625,702, A>C. VCF-style: chr4-625702-A-C. GRCh37 (hg19) VCF-style: chr4-619491-A-C.
Other names: c.76A>C, p.Lys26Gln (NM_001145291.2); c.76A>C (NM_000283.3); short protein forms K26Q.
Identifiers: ClinVar variation 3715973 (VCV003715973.3).